The following is an entry in ClinVar:

NM_001101362.3(KBTBD13):c.511G>A (p.Glu171Lys)

Gene: KBTBD13 (kelch repeat and BTB domain containing 13; plus strand). Cytogenetic location: 15q22.31.
Variant type: single nucleotide variant.
Coding change: c.511G>A on transcript NM_001101362.3 (MANE Select); coding-DNA position 511, G replaced by A.
Protein change: p.Glu171Lys; replaces glutamic acid 171 with lysine.
Molecular consequence: missense variant.
Genome position (GRCh38, 1-based): chr15:65,077,326, G>A. VCF-style: chr15-65077326-G-A. GRCh37 (hg19) VCF-style: chr15-65369664-G-A.
Other names: short protein forms E171K.
Identifiers: ClinVar variation 1516335 (VCV001516335.6), dbSNP rs1485601321, ClinGen allele CA392861226.
Genomic context (GRCh38, chr15:65,077,326, plus strand): 5'-GCCCTGCGGCCCAGCAGCTACGCGGCCGTGAGCACGCACACGCCCGCGCCCGGCTTCCTG[G>A]AGGACGCCTCGCGCACGCTGTGTTACCTGGACGAGGAAGAGGACGCGTGGCGCACGCTGG-3'
Protein context (NP_001094832.1, residues 161-181): STHTPAPGFL[Glu171Lys]DASRTLCYLD

ClinVar aggregate classification (germline): Uncertain significance (1 of 4 stars; one submission).

Conditions:
Nemaline myopathy 6 (NEM6). Also called: Nemaline myopathy 6, autosomal dominant. Identifiers: Orphanet 171439, MedGen C1836472, MONDO:0012237, OMIM 609273.

Allele frequency attached by ClinVar (database versions not stated): gnomAD 0.00001; gnomAD exomes 0.00001; TOPMed 0.00002.

Submission:

Labcorp Genetics (formerly Invitae), Labcorp
Classification: Uncertain significance for Nemaline myopathy 6. Last evaluated: 2025-12-03. Review status: criteria provided, single submitter. Criteria: Invitae Variant Classification Sherloc (09022015). Collection method: clinical testing. Allele origin: germline.
Comment: This sequence change replaces glutamic acid, which is acidic and polar, with lysine, which is basic and polar, at codon 171 of the KBTBD13 protein (p.Glu171Lys). This variant is present in population databases (no rsID available, gnomAD 0.007%). This variant has not been reported in the literature in individuals affected with KBTBD13-related conditions. ClinVar contains an entry for this variant (Variation ID: 1516335). Invitae Evidence Modeling of protein sequence and biophysical properties (such as structural, functional, and spatial information, amino acid conservation, physicochemical variation, residue mobility, and thermodynamic stability) indicates that this missense variant is not expected to disrupt KBTBD13 protein function with a negative predictive value of 80%. In summary, the available evidence is currently insufficient to determine the role of this variant in disease. Therefore, it has been classified as a Variant of Uncertain Significance.